The following is an entry in ClinVar:

ClinVar aggregate classification (germline): Likely benign (1 of 4 stars; one submission).

gnomAD v4.1: 48 of 1,566,424 alleles (0.0031%); highest among the groups gnomAD compares: Admixed American, 0.0037%; no homozygotes.

Submission:

CeGaT Center for Human Genetics Tuebingen
Classification: Likely benign. Last evaluated: 2026-04-01. Review status: criteria provided, single submitter. Criteria: CeGaT Center For Human Genetics Tuebingen Variant Classification Criteria Version 2. Collection method: clinical testing. Allele origin: germline. Affected: yes. Observed: 1 variant allele.
Comment: OPLAH: BP4, BP7

NM_017570.5(OPLAH):c.3579A>G (p.Ser1193=)

Gene: OPLAH (5-oxoprolinase, ATP-hydrolysing; minus strand). Cytogenetic location: 8q24.3.
Variant type: single nucleotide variant.
Coding change: c.3579A>G on transcript NM_017570.5 (MANE Select); coding-DNA position 3579, A replaced by G.
Protein change: p.Ser1193=; no amino-acid change (serine 1193 retained).
Molecular consequence: synonymous variant.
Genome position (GRCh38, 1-based): chr8:144,051,959, T>C on the plus strand (A>G on the coding strand, the complement: OPLAH is on the minus strand). VCF-style: chr8-144051959-T-C. GRCh37 (hg19) VCF-style: chr8-145106860-T-C.
Identifiers: ClinVar variation 4872230 (VCV004872230.2).